The following is an entry in ClinVar:

ClinVar aggregate classification (germline): Uncertain significance. Review status: criteria provided, multiple submitters, no conflicts (2 of 4 stars). 2 submissions from 2 submitters: Uncertain significance (2). Last evaluated 2024-03-01.

Conditions:
Shprintzen-Goldberg syndrome (SGS). Also called: Marfanoid disorder with craniosynostosis type 1; Marfanoid craniosynostosis syndrome; Shprintzen-Goldberg marfanoid syndrome; SHPRINTZEN-GOLDBERG CRANIOSYNOSTOSIS SYNDROME; CRANIOSYNOSTOSIS WITH ARACHNODACTYLY AND ABDOMINAL HERNIAS. Identifiers: Orphanet 2462, MedGen C1321551, MONDO:0008426, OMIM 182212.

Allele frequency attached by ClinVar (database versions not stated): ExAC 0.00001.

Submissions (2):

CeGaT Center for Human Genetics Tuebingen
Classification: Uncertain significance. Last evaluated: 2024-03-01. Review status: criteria provided, single submitter. Criteria: CeGaT Center For Human Genetics Tuebingen Variant Classification Criteria Version 2. Collection method: clinical testing. Allele origin: germline. Affected: yes. Observed: 1 variant allele.
Comment: SKI: PP2, PP3

Labcorp Genetics (formerly Invitae), Labcorp
Classification: Uncertain significance for Shprintzen-Goldberg syndrome. Last evaluated: 2023-02-16. Review status: criteria provided, single submitter. Criteria: Invitae Variant Classification Sherloc (09022015). Collection method: clinical testing. Allele origin: germline.
Comment: In summary, the available evidence is currently insufficient to determine the role of this variant in disease. Therefore, it has been classified as a Variant of Uncertain Significance. Advanced modeling of protein sequence and biophysical properties (such as structural, functional, and spatial information, amino acid conservation, physicochemical variation, residue mobility, and thermodynamic stability) has been performed at Invitae for this missense variant, however the output from this modeling did not meet the statistical confidence thresholds required to predict the impact of this variant on SKI protein function. This variant has not been reported in the literature in individuals affected with SKI-related conditions. This variant is present in population databases (rs753444459, gnomAD 0.003%). This sequence change replaces isoleucine, which is neutral and non-polar, with valine, which is neutral and non-polar, at codon 148 of the SKI protein (p.Ile148Val).

NM_003036.4(SKI):c.442A>G (p.Ile148Val)

Gene: SKI (SKI proto-oncogene; plus strand). Cytogenetic location: 1p36.33.
Variant type: single nucleotide variant.
Coding change: c.442A>G on transcript NM_003036.4 (MANE Select); coding-DNA position 442, A replaced by G.
Protein change: p.Ile148Val; replaces isoleucine 148 with valine.
Molecular consequence: missense variant.
Genome position (GRCh38, 1-based): chr1:2,229,208, A>G. VCF-style: chr1-2229208-A-G. GRCh37 (hg19) VCF-style: chr1-2160647-A-G.
Other names: short protein forms I148V.
Identifiers: ClinVar variation 2907337 (VCV002907337.25), dbSNP rs753444459, ClinGen allele CA536393.